The following is an entry in ClinVar:

NM_001365536.1(SCN9A):c.2372T>C (p.Met791Thr)

Genes: SCN1A-AS1 (SCN1A and SCN9A antisense RNA 1; plus strand), SCN9A (sodium voltage-gated channel alpha subunit 9; minus strand). Cytogenetic location: 2q24.3.
Variant type: single nucleotide variant.
Coding change: c.2372T>C on transcript NM_001365536.1 (MANE Select); coding-DNA position 2372, T replaced by C.
Protein change: p.Met791Thr; replaces methionine 791 with threonine.
Molecular consequence: missense variant.
Genome position (GRCh38, 1-based): chr2:166,278,285, A>G on the plus strand (T>C on the coding strand, the complement: SCN9A is on the minus strand). VCF-style: chr2-166278285-A-G. GRCh37 (hg19) VCF-style: chr2-167134795-A-G.
Other names: c.2339T>C, p.Met780Thr (NM_002977.4); short protein forms M780T, M791T.
Identifiers: ClinVar variation 1520820 (VCV001520820.8), dbSNP rs1308385213, ClinGen allele CA349078484.

ClinVar aggregate classification (germline): Uncertain significance (1 of 4 stars; one submission).

Conditions:
Neuropathy, hereditary sensory and autonomic, type 2A (HSAN2A). Also called: HSAN IIA; WNK1-Related HSAN2 (HSAN2A); MORVAN DISEASE; NEUROPATHY, CONGENITAL SENSORY; NEUROPATHY, HEREDITARY SENSORY RADICULAR, AUTOSOMAL RECESSIVE; NEUROPATHY, HEREDITARY SENSORY, TYPE IIA. Identifiers: Orphanet 970, MedGen C2752089, MONDO:0024309, OMIM 201300.
Generalized epilepsy with febrile seizures plus, type 7 (GEFSP7). Also called: GEFS+, TYPE 7. Identifiers: Orphanet 36387, MedGen C2751778, MONDO:0013470, OMIM 613863.

Allele frequency attached by ClinVar (database versions not stated): gnomAD exomes below 0.00001; gnomAD 0.00001.
gnomAD v4.1: 7 of 1,606,668 alleles (0.00044%); highest among the groups gnomAD compares: South Asian, 0.0011%; no homozygotes.

Submission:

Labcorp Genetics (formerly Invitae), Labcorp
Classification: Uncertain significance for Neuropathy, hereditary sensory and autonomic, type 2A; Generalized epilepsy with febrile seizures plus, type 7. Last evaluated: 2022-10-03. Review status: criteria provided, single submitter. Criteria: Invitae Variant Classification Sherloc (09022015). Collection method: clinical testing. Allele origin: germline.
Comment: This sequence change replaces methionine, which is neutral and non-polar, with threonine, which is neutral and polar, at codon 780 of the SCN9A protein (p.Met780Thr). In summary, the available evidence is currently insufficient to determine the role of this variant in disease. Therefore, it has been classified as a Variant of Uncertain Significance. Algorithms developed to predict the effect of missense changes on protein structure and function (SIFT, PolyPhen-2, Align-GVGD) all suggest that this variant is likely to be tolerated. ClinVar contains an entry for this variant (Variation ID: 1520820). This variant has not been reported in the literature in individuals affected with SCN9A-related conditions. This variant is present in population databases (no rsID available, gnomAD 0.007%).